The following is an entry in ClinVar:

ClinVar aggregate classification (germline): Uncertain significance (1 of 4 stars; one submission).

Allele frequency attached by ClinVar (database versions not stated): gnomAD 0.00002; TOPMed 0.00002.
gnomAD v4.1: 19 of 1,614,030 alleles (0.0012%); highest among the groups gnomAD compares: East Asian, 0.0022%; no homozygotes.

Submission:

Greenwood Genetic Center Diagnostic Laboratories, Greenwood Genetic Center
Classification: Uncertain significance. Last evaluated: 2021-07-23. Review status: criteria provided, single submitter. Criteria: ACMG Guidelines, 2015. Collection method: clinical testing. Allele origin: germline. Affected: yes.
Comment: PP3, PM2

NM_001376571.1(MADD):c.4048G>A (p.Asp1350Asn)

Gene: MADD (MAP kinase activating death domain; plus strand). Cytogenetic location: 11p11.2.
Variant type: single nucleotide variant.
Coding change: c.4048G>A on transcript NM_001376571.1 (MANE Select); coding-DNA position 4048, G replaced by A.
Protein change: p.Asp1350Asn; replaces aspartic acid 1350 with asparagine.
Molecular consequence: missense variant. On other transcripts: non-coding transcript variant (8).
Genome position (GRCh38, 1-based): chr11:47,309,397, G>A. VCF-style: chr11-47309397-G-A. GRCh37 (hg19) VCF-style: chr11-47330948-G-A.
Other names: c.3847G>A, p.Asp1283Asn (NM_001376598.1, NM_001376595.1, NM_001376597.1 and 1 more transcripts); c.4036G>A, p.Asp1346Asn (NM_001376599.1, NM_001376600.1, NM_001376601.1 and 2 more transcripts); c.3829G>A, p.Asp1277Asn (NM_001376602.1); c.3805G>A, p.Asp1269Asn (NM_001376603.1, NM_001376651.1, NM_001376652.1); c.3793G>A, p.Asp1265Asn (NM_001376604.1, NM_001376655.1, NM_001376656.1); c.3994G>A, p.Asp1332Asn (NM_001376605.1, NM_001376574.1); c.3991G>A, p.Asp1331Asn (NM_001376606.1, NM_001376633.1); c.3790G>A, p.Asp1264Asn (NM_001376607.1); and 41 more; short protein forms D1069N, D1139N, D1188N, D1200N, D1210N, D1215N, D1217N, D1218N.
Identifiers: ClinVar variation 1334500 (VCV001334500.4), dbSNP rs754363453, ClinGen allele CA380360202.